The following is an entry in ClinVar:

NM_000026.4(ADSL):c.1102-16G>A

Gene: ADSL (adenylosuccinate lyase; plus strand). Cytogenetic location: 22q13.1.
Variant type: single nucleotide variant.
Coding change: c.1102-16G>A on transcript NM_000026.4 (MANE Select); 16 bases into the intron before coding-DNA position 1102, G replaced by A.
Molecular consequence: intron variant.
Genome position (GRCh38, 1-based): chr22:40,364,260, G>A. VCF-style: chr22-40364260-G-A. GRCh37 (hg19) VCF-style: chr22-40760264-G-A.
Other names: c.1102-16G>A (NM_001363840.3, NM_001123378.3); c.910-16G>A (NM_001317923.2).
Identifiers: ClinVar variation 508814 (VCV000508814.8), dbSNP rs200428249, ClinGen allele CA10247918.
Genomic context (GRCh38, chr22:40,364,260, plus strand): 5'-GTTTGACATCCTGCTGTGTTTATGACTTTAACCTTGAGGCACCTTTCTTGGTCATTCACC[G>A]TATCTTTTCCTATAGGTAATTGAACGGCGCATTCGGCAAGAGCTGCCTTTCATGGCCACA-3'

ClinVar aggregate classification (germline): Likely benign. Review status: criteria provided, multiple submitters, no conflicts (2 of 4 stars). 2 submissions from 2 submitters: Likely benign (2). Last evaluated 2025-11-10.

Conditions:
Adenylosuccinate lyase deficiency (ADSLD). Also called: ADSL DEFICIENCY. Identifiers: Orphanet 46, MedGen C0268126, MONDO:0007068, OMIM 103050.

Allele frequency attached by ClinVar (database versions not stated): gnomAD 0.00010.
gnomAD v4.1: 71 of 1,611,326 alleles (0.0044%); highest among the groups gnomAD compares: East Asian, 0.045%; no homozygotes.

Submissions (2):

Labcorp Genetics (formerly Invitae), Labcorp
Classification: Likely benign for Adenylosuccinate lyase deficiency. Last evaluated: 2025-11-10. Review status: criteria provided, single submitter. Criteria: Invitae Variant Classification Sherloc (09022015). Collection method: clinical testing. Allele origin: germline.

GeneDx
Classification: Likely benign. Last evaluated: 2017-04-05. Review status: criteria provided, single submitter. Criteria: GeneDx Variant Classification (06012015). Collection method: clinical testing. Allele origin: germline. Affected: yes.
Comment: This variant is considered likely benign or benign based on one or more of the following criteria: it is a conservative change, it occurs at a poorly conserved position in the protein, it is predicted to be benign by multiple in silico algorithms, and/or has population frequency not consistent with disease.